The following is an entry in ClinVar:

NM_000475.5(NR0B1):c.1346T>C (p.Phe449Ser)

Gene: NR0B1 (nuclear receptor subfamily 0 group B member 1; minus strand). Cytogenetic location: Xp21.2.
Variant type: single nucleotide variant.
Coding change: c.1346T>C on transcript NM_000475.5 (MANE Select); coding-DNA position 1346, T replaced by C.
Protein change: p.Phe449Ser; replaces phenylalanine 449 with serine.
Molecular consequence: missense variant.
Genome position (GRCh38, 1-based): chrX:30,304,646, A>G on the plus strand (T>C on the coding strand, the complement: NR0B1 is on the minus strand). VCF-style: chrX-30304646-A-G. GRCh37 (hg19) VCF-style: chrX-30322763-A-G.
Other names: short protein forms F449S.
Identifiers: ClinVar variation 3066153 (VCV003066153.1), dbSNP rs753067688, ClinGen allele CA412544412.

ClinVar aggregate classification (germline): Uncertain significance (1 of 4 stars; one submission).

Conditions:
Congenital adrenal hypoplasia, X-linked (AHC). Also called: Isolated X-Linked Adrenal Hypoplasia Congenita; X-linked AHC; X-Linked Adrenal Hypoplasia Congenita; ADRENAL HYPOPLASIA, CONGENITAL, WITH HYPOGONADOTROPIC HYPOGONADISM. Identifiers: Orphanet 95702, MedGen C0342482, MONDO:0010264, OMIM 300200. Disease mechanism: loss of function.

Submission:

MVZ Medizinische Genetik Mainz
Classification: Uncertain significance for Congenital adrenal hypoplasia, X-linked. Last evaluated: 2021-10-08. Review status: criteria provided, single submitter. Criteria: UK Practice Guidelines For Variant Classification V4 01 2020. Collection method: clinical testing. Allele origin: germline. Inheritance: X-linked recessive inheritance. Affected: yes. Observed: 1 variant allele.
Comment: ACMG Criteria: PM1_SUP, PM2_SUP, PP3, PP4